The following is an entry in ClinVar:

ClinVar aggregate classification (germline): Benign/Likely benign. Review status: criteria provided, multiple submitters, no conflicts (2 of 4 stars). 5 submissions from 5 submitters: Benign (1); Likely benign (2). 2 of the submissions do not count toward it. Last evaluated 2026-05-01.

Conditions:
Aicardi-Goutieres syndrome 4. Identifiers: Orphanet 51, MedGen C1835912, MONDO:0012472, OMIM 610333.

Allele frequency attached by ClinVar (database versions not stated): ExAC 0.00041; 1000 Genomes Project 0.00140; gnomAD 0.00151 and 0.00163; 1000 Genomes Project 30x 0.00156; TOPMed 0.00166; ESP Exome Variant Server 0.00192.
gnomAD v4.1: 454 of 1,614,170 alleles (0.028%); highest among the groups gnomAD compares: African/African-American, 0.54%; 4 homozygotes.

Submissions (5):

CeGaT Center for Human Genetics Tuebingen
Classification: Likely benign. Last evaluated: 2026-05-01. Review status: criteria provided, single submitter. Criteria: CeGaT Center For Human Genetics Tuebingen Variant Classification Criteria Version 2. Collection method: clinical testing. Allele origin: germline. Affected: yes. Observed: 2 variant alleles.
Comment: RNASEH2A: BP4, BP7

Labcorp Genetics (formerly Invitae), Labcorp
Classification: Benign for Aicardi-Goutieres syndrome 4. Last evaluated: 2026-01-26. Review status: criteria provided, single submitter. Criteria: Invitae Variant Classification Sherloc (09022015). Collection method: clinical testing. Allele origin: germline.

Blueprint Genetics
Classification: Likely benign. Last evaluated: 2024-08-05. Review status: criteria provided, single submitter. Criteria: ACMG Guidelines, 2015. Collection method: clinical testing. Allele origin: germline.

Clinical Genetics DNA and cytogenetics Diagnostics Lab, Erasmus MC, Erasmus Medical Center
Classification: Likely benign. Review status: no assertion criteria provided. Collection method: clinical testing. Allele origin: germline. Affected: yes. Study: VKGL Data-share Consensus. Not counted in ClinVar's aggregate classification.

Genome Diagnostics Laboratory, University Medical Center Utrecht
Classification: Likely benign. Review status: no assertion criteria provided. Collection method: clinical testing. Allele origin: germline. Affected: yes. Study: VKGL Data-share Consensus. Not counted in ClinVar's aggregate classification.

NM_006397.3(RNASEH2A):c.339G>T (p.Leu113=)

Gene: RNASEH2A (ribonuclease H2 subunit A; plus strand). Cytogenetic location: 19p13.13.
Variant type: single nucleotide variant.
Coding change: c.339G>T on transcript NM_006397.3 (MANE Select); coding-DNA position 339, G replaced by T.
Protein change: p.Leu113=; no amino-acid change (leucine 113 retained).
Molecular consequence: synonymous variant.
Genome position (GRCh38, 1-based): chr19:12,807,434, G>T. VCF-style: chr19-12807434-G-T. GRCh37 (hg19) VCF-style: chr19-12918248-G-T.
Identifiers: ClinVar variation 784387 (VCV000784387.22), dbSNP rs145176499, ClinGen allele CA9231858.